The following is an entry in ClinVar:

NM_000466.3(PEX1):c.2212_2213del (p.Gln738fs)

Gene: PEX1 (peroxisomal biogenesis factor 1; minus strand). Cytogenetic location: 7q21.2.
Variant type: Deletion.
Coding change: c.2212_2213del on transcript NM_000466.3 (MANE Select); coding-DNA positions 2212 to 2213, 2 bases deleted (CA; older notation c.2212_2213delCA).
Protein change: p.Gln738fs; shifts the reading frame from glutamine 738.
Molecular consequence: frameshift variant.
Genome position (GRCh38, 1-based): chr7:92,503,054-92,503,055, TG deleted on the plus strand (CA on the coding strand, the reverse complement: PEX1 is on the minus strand). VCF-style (leftmost placement, unchanged base first): chr7-92503053-CTG-C. GRCh37 (hg19) VCF-style: chr7-92132367-CTG-C.
Other names: c.2041_2042del, p.Gln681fs (NM_001282677.2); c.1588_1589del, p.Gln530fs (NM_001282678.2); short protein forms Q530fs, Q681fs, Q738fs.
Identifiers: ClinVar variation 1726753 (VCV001726753.3), dbSNP rs2484664752, ClinGen allele CA2580077814.

ClinVar aggregate classification (germline): Likely pathogenic (1 of 4 stars; one submission).

Conditions:
Peroxisome biogenesis disorder. Identifiers: Orphanet 79189, MedGen C1832200, MONDO:0019234. Disease mechanism: loss of function.

Submission:

Myriad Genetics, Inc.
Classification: Likely pathogenic for Peroxisome biogenesis disorder. Last evaluated: 2021-12-31. Review status: criteria provided, single submitter. Criteria: Myriad Autosomal Dominant, Autosomal Recessive and X-Linked Classification Criteria (2023). Collection method: clinical testing. Allele origin: unknown.
Comment: NM_000466.2(PEX1):c.2212_2213delCA(Q738Afs*3) is expected to be pathogenic in the context of peroxisome biogenesis disorder type 1. This variant is predicted to lead to an abnormal or absent protein product due to the creation of a premature termination codon in PEX1, a gene where loss-of-function variants are known to be pathogenic. Please note: this variant was assessed in the context of healthy population screening.